The following is an entry in ClinVar:

NM_002637.4(PHKA1):c.1174C>T (p.Arg392Ter)

Gene: PHKA1 (phosphorylase kinase regulatory subunit alpha 1; minus strand). Cytogenetic location: Xq13.1.
Variant type: single nucleotide variant.
Coding change: c.1174C>T on transcript NM_002637.4 (MANE Select); coding-DNA position 1174, C replaced by T.
Protein change: p.Arg392Ter; replaces arginine 392 with a stop codon.
Molecular consequence: nonsense.
Genome position (GRCh38, 1-based): chrX:72,652,615, G>A on the plus strand (C>T on the coding strand, the complement: PHKA1 is on the minus strand). VCF-style: chrX-72652615-G-A. GRCh37 (hg19) VCF-style: chrX-71872465-G-A.
Other names: c.1174C>T, p.Arg392Ter (NM_001122670.2, NM_001172436.2); short protein forms R392*.
Identifiers: ClinVar variation 620183 (VCV000620183.5), dbSNP rs1556299510, ClinGen allele CA413593161.

ClinVar aggregate classification (germline): Pathogenic/Likely pathogenic. Review status: criteria provided, multiple submitters, no conflicts (2 of 4 stars). 3 submissions from 3 submitters: Pathogenic (2); Likely pathogenic (1). Last evaluated 2024-05-09.

Conditions:
Glycogen storage disease IXd (GSD9D). Also called: Muscle Phosphorylase Kinase Deficiency; GSD IXd. Identifiers: Orphanet 715, MedGen C1845151, MONDO:0010362, OMIM 300559.

Allele frequency attached by ClinVar (database versions not stated): gnomAD exomes below 0.00001 and 0.00001.

Submissions (3):

Fulgent Genetics
Classification: Likely pathogenic for Glycogen storage disease IXd. Last evaluated: 2024-05-09. Review status: criteria provided, single submitter. Criteria: ACMG Guidelines, 2015. Collection method: clinical testing. Allele origin: germline.

Labcorp Genetics (formerly Invitae), Labcorp
Classification: Pathogenic for Glycogen storage disease IXd. Last evaluated: 2023-11-27. Review status: criteria provided, single submitter. Criteria: Invitae Variant Classification Sherloc (09022015). Collection method: clinical testing. Allele origin: germline.
Comment: This sequence change creates a premature translational stop signal (p.Arg392*) in the PHKA1 gene. It is expected to result in an absent or disrupted protein product. Loss-of-function variants in PHKA1 are known to be pathogenic (PMID: 9731190, 15637709). The frequency data for this variant in the population databases is considered unreliable, as metrics indicate poor data quality at this position in the gnomAD database. This premature translational stop signal has been observed in individual(s) with clinical features of glycogen storage disease (PMID: 28600779). ClinVar contains an entry for this variant (Variation ID: 620183). For these reasons, this variant has been classified as Pathogenic.

GeneDx
Classification: Pathogenic. Last evaluated: 2018-07-05. Review status: criteria provided, single submitter. Criteria: GeneDx Variant Classification (06012015). Collection method: clinical testing. Allele origin: germline. Affected: yes.
Comment: This pathogenic variant is predicted to cause loss of normal protein function either through protein truncation or nonsense-mediated mRNA decay. The R392X variant is not observed in large population cohorts (Lek et al., 2016). The R392X variant is considered a pathogenic variant.

Literature cited by the submitters: PubMed 9731190 (cited by Labcorp Genetics (formerly Invitae), Labcorp); PubMed 15637709 (cited by Labcorp Genetics (formerly Invitae), Labcorp); PubMed 28600779 (cited by Labcorp Genetics (formerly Invitae), Labcorp).